The following is an entry in ClinVar:

ClinVar aggregate classification (germline): Uncertain significance. Review status: criteria provided, single submitter (1 of 4 stars). 2 submissions from 2 submitters: Uncertain significance (1). 1 of the submissions does not count toward it. Last evaluated 2022-07-24.

Conditions:
VPS33B-related disorder. Also called: VPS33B-related condition.

Allele frequency attached by ClinVar (database versions not stated): gnomAD 0.00003; gnomAD exomes 0.00003 and 0.00004; TOPMed 0.00003; ExAC 0.00004; ESP Exome Variant Server 0.00008.
gnomAD v4.1: 47 of 1,614,028 alleles (0.0029%); highest among the groups gnomAD compares: East Asian, 0.0045%; no homozygotes.

Submissions (2):

Labcorp Genetics (formerly Invitae), Labcorp
Classification: Uncertain significance. Last evaluated: 2022-07-24. Review status: criteria provided, single submitter. Criteria: Invitae Variant Classification Sherloc (09022015). Collection method: clinical testing. Allele origin: germline.
Comment: This sequence change replaces alanine, which is neutral and non-polar, with threonine, which is neutral and polar, at codon 200 of the VPS33B protein (p.Ala200Thr). This variant is present in population databases (rs142610315, gnomAD 0.01%). This variant has not been reported in the literature in individuals affected with VPS33B-related conditions. ClinVar contains an entry for this variant (Variation ID: 1430192). Algorithms developed to predict the effect of missense changes on protein structure and function output the following: SIFT: "Not Available"; PolyPhen-2: "Benign"; Align-GVGD: "Not Available". The threonine amino acid residue is found in multiple mammalian species, which suggests that this missense change does not adversely affect protein function. Algorithms developed to predict the effect of sequence changes on RNA splicing suggest that this variant may disrupt the consensus splice site. In summary, the available evidence is currently insufficient to determine the role of this variant in disease. Therefore, it has been classified as a Variant of Uncertain Significance.

PreventionGenetics, part of Exact Sciences
Classification: Uncertain significance for VPS33B-related condition. Last evaluated: 2024-06-13. Review status: no assertion criteria provided. Collection method: clinical testing. Allele origin: germline. Not counted in ClinVar's aggregate classification.
Comment: The VPS33B c.598G>A variant is predicted to result in the amino acid substitution p.Ala200Thr. This variant was reported in an individual with intrahepatic cholestasis (Table S1, Zhang et al. 2020. PubMed ID: 32124521). This variant is reported in 0.010% of alleles in individuals of East Asian descent in gnomAD. At this time, the clinical significance of this variant is uncertain due to the absence of conclusive functional and genetic evidence.

NM_018668.5(VPS33B):c.598G>A (p.Ala200Thr)

Gene: VPS33B (VPS33B late endosome and lysosome associated; minus strand). Cytogenetic location: 15q26.1.
Variant type: single nucleotide variant.
Coding change: c.598G>A on transcript NM_018668.5 (MANE Select); coding-DNA position 598, G replaced by A.
Protein change: p.Ala200Thr; replaces alanine 200 with threonine.
Molecular consequence: missense variant.
Genome position (GRCh38, 1-based): chr15:91,007,474, C>T on the plus strand (G>A on the coding strand, the complement: VPS33B is on the minus strand). VCF-style: chr15-91007474-C-T. GRCh37 (hg19) VCF-style: chr15-91550704-C-T.
Other names: c.517G>A, p.Ala173Thr (NM_001289148.1); c.325G>A, p.Ala109Thr (NM_001289149.1); c.598G>A (NM_018668.4); short protein forms A109T, A173T, A200T.
Identifiers: ClinVar variation 1430192 (VCV001430192.6), dbSNP rs142610315, ClinGen allele CA7744992.